The following is an entry in ClinVar:

ClinVar aggregate classification (germline): Uncertain significance (1 of 4 stars; one submission).

Submission:

GeneDx
Classification: Uncertain significance. Last evaluated: 2025-06-17. Review status: criteria provided, single submitter. Criteria: GeneDx Variant Classification Process June 2021. Collection method: clinical testing. Allele origin: germline. Affected: yes.
Comment: Not observed at significant frequency in large population cohorts (gnomAD); In-frame deletion of one amino acid and insertion of three different amino acids in a non-repeat region; In silico analysis suggests that this variant does not alter protein structure/function; Has not been previously published as pathogenic or benign to our knowledge

NM_001353694.2(TIAM1):c.1677_1678delinsCTGTGGTG (p.Leu560delinsCysGlyVal)

Gene: TIAM1 (TIAM Rac1 associated GEF 1; minus strand). Cytogenetic location: 21q22.11.
Variant type: Indel.
Coding change: c.1677_1678delinsCTGTGGTG on transcript NM_001353694.2 (MANE Select); coding-DNA positions 1677 to 1678, GC replaced by CTGTGGTG.
Protein change: p.Leu560delinsCysGlyVal.
Molecular consequence: inframe indel.
Genome position (GRCh38, 1-based): chr21:31,225,857-31,225,858, GC replaced by CACCACAG on the plus strand (GC replaced by CTGTGGTG on the coding strand, the reverse complement: TIAM1 is on the minus strand). VCF-style: chr21-31225857-GC-CACCACAG. GRCh37 (hg19) VCF-style: chr21-32598173-GC-CACCACAG.
Other names: c.1677_1678delinsCTGTGGTG, p.Leu560delinsCysGlyVal (NM_001353686.2, NM_001353687.2, NM_001353688.1 and 6 more transcripts).
Identifiers: ClinVar variation 4538912 (VCV004538912.1).